The following is an entry in ClinVar:

ClinVar aggregate classification (germline): Uncertain significance (1 of 4 stars; one submission).

Submission:

Women's Health and Genetics/Laboratory Corporation of America, LabCorp
Classification: Uncertain significance. Last evaluated: 2025-03-24. Review status: criteria provided, single submitter. Criteria: LabCorp Variant Classification Summary - May 2015. Collection method: clinical testing. Allele origin: germline.
Comment: Variant summary: KIF1A c.4160_4161+1delAGG, alternatively described as c.4157_4159delAGG (p.Glu1488del), results in an in-frame deletion that is predicted to remove 1 amino acid from the encoded protein. The variant is located at a splice-site, and all computational tools predict that the variant shifts the 5' splicing donor site 3 nucleotides upstream from its original location (i.e. which consistent with the in-frame deletion of one amino acid at the protein level). However, these predictions have yet to be confirmed by functional studies. The frequency data for this variant in gnomAD is considered unreliable, as metrics indicate poor data quality at this position. To our knowledge, no occurrence of c.4160_4161+1delAGG in individuals affected with KIF1A-related conditions and no experimental evidence demonstrating its impact on protein function have been reported. No submitters have cited clinical-significance assessments for this variant to ClinVar. Based on the evidence outlined above, the variant was classified as uncertain significance.

NM_001244008.2(KIF1A):c.4463_4464+1del

Gene: KIF1A (kinesin family member 1A; minus strand). Cytogenetic location: 2q37.3.
Variant type: Microsatellite.
Coding change: c.4463_4464+1del on transcript NM_001244008.2 (MANE Select); coding-DNA position 4463 through the canonical splice donor site of the intron after coding-DNA position 4464, 3 bases deleted (AGG; older notation c.4463_4464+1delAGG).
Molecular consequence: splice donor variant.
Genome position (GRCh38, 1-based): chr2:240,723,412-240,723,414, CCT deleted on the plus strand (AGG on the coding strand, the reverse complement: KIF1A is on the minus strand); deleting any 3 consecutive bases within chr2:240,723,412-240,723,417 gives the same sequence; the c. name uses the placement nearest the transcript's 3' end. VCF-style (leftmost placement, unchanged base first): chr2-240723411-ACCT-A. GRCh37 (hg19) VCF-style: chr2-241662828-ACCT-A.
Other names: c.4160_4161+1del (NM_001379653.1, NM_001379650.1, NM_001379641.1 and 2 more transcripts); c.4436_4437+1del (NM_001379645.1, NM_001379633.1); c.4286_4287+1del (NM_001379635.1, NM_001379646.1); c.4157_4158+1del (NM_001379640.1); c.4184_4185+1del (NM_001379639.1); c.4187_4188+1del (NM_001379649.1, NM_001320705.2); c.4274_4275+1del (NM_001379636.1); c.4439_4440+1del (NM_001379632.1); and 8 more.
Identifiers: ClinVar variation 3895983 (VCV003895983.1).